The following is an entry in ClinVar:

NM_001252024.2(TRPM1):c.552G>C (p.Arg184=)

Gene: TRPM1 (transient receptor potential cation channel subfamily M member 1; minus strand). Cytogenetic location: 15q13.3.
Variant type: single nucleotide variant.
Coding change: c.552G>C on transcript NM_001252024.2 (MANE Select); coding-DNA position 552, G replaced by C.
Protein change: p.Arg184=; no amino-acid change (arginine 184 retained).
Molecular consequence: synonymous variant.
Genome position (GRCh38, 1-based): chr15:31,067,129, C>G on the plus strand (G>C on the coding strand, the complement: TRPM1 is on the minus strand). VCF-style: chr15-31067129-C-G. GRCh37 (hg19) VCF-style: chr15-31359332-C-G.
Other names: c.603G>C, p.Arg201= (NM_001252020.2); c.486G>C, p.Arg162= (NM_002420.6); c.603G>C (NM_001252020.1).
Identifiers: ClinVar variation 1088100 (VCV001088100.11), dbSNP rs145037403, ClinGen allele CA7452912.

ClinVar aggregate classification (germline): Likely benign. Review status: criteria provided, multiple submitters, no conflicts (2 of 4 stars). 3 submissions from 3 submitters: Likely benign (2). 1 of the submissions does not count toward it. Last evaluated 2025-12-29.

Conditions:
TRPM1-related disorder. Also called: TRPM1-related condition.

Allele frequency attached by ClinVar (database versions not stated): gnomAD exomes 0.00004 and 0.00009; ExAC 0.00014; ESP Exome Variant Server 0.00017; 1000 Genomes Project 30x 0.00125; 1000 Genomes Project 0.00140.
gnomAD v4.1: 120 of 1,614,136 alleles (0.0074%); highest among the groups gnomAD compares: African/African-American, 0.14%; no homozygotes.

Submissions (3):

Labcorp Genetics (formerly Invitae), Labcorp
Classification: Likely benign. Last evaluated: 2025-12-29. Review status: criteria provided, single submitter. Criteria: Invitae Variant Classification Sherloc (09022015). Collection method: clinical testing. Allele origin: germline.

Blueprint Genetics
Classification: Likely benign. Last evaluated: 2022-08-19. Review status: criteria provided, single submitter. Criteria: ACMG Guidelines, 2015. Collection method: clinical testing. Allele origin: germline.

PreventionGenetics, part of Exact Sciences
Classification: Likely benign for TRPM1-related condition. Last evaluated: 2024-08-29. Review status: no assertion criteria provided. Collection method: clinical testing. Allele origin: germline. Not counted in ClinVar's aggregate classification.
Comment: This variant is classified as likely benign based on ACMG/AMP sequence variant interpretation guidelines (Richards et al. 2015 PMID: 25741868, with internal and published modifications).